The following is an entry in ClinVar:

NM_018993.4(RIN2):c.-36-2589G>A

Gene: RIN2 (Ras and Rab interactor 2; plus strand). Cytogenetic location: 20p11.23.
Variant type: single nucleotide variant.
Coding change: c.-36-2589G>A on transcript NM_018993.4 (MANE Select); 2589 bases into the intron before 36 bases upstream of the start codon, G replaced by A.
Molecular consequence: intron variant.
Genome position (GRCh38, 1-based): chr20:19,886,977, G>A. VCF-style: chr20-19886977-G-A. GRCh37 (hg19) VCF-style: chr20-19867621-G-A.
Other names: c.-581-2589G>A (NM_001378238.1); c.111+197G>A (NM_001242581.2).
Identifiers: ClinVar variation 678599 (VCV000678599.1), dbSNP rs6081798, ClinGen allele CA312907183.

ClinVar aggregate classification (germline): Likely benign (1 of 4 stars; one submission).

Allele frequency attached by ClinVar (database versions not stated): 1000 Genomes Project 0.01198; 1000 Genomes Project 30x 0.01234; gnomAD 0.01974 and 0.02000; TOPMed 0.02088.
gnomAD v4.1: 3,057 of 152,034 alleles (2%); highest among the groups gnomAD compares: Middle Eastern, 3.1%; 53 homozygotes.

Submission:

GeneDx
Classification: Likely benign. Last evaluated: 2018-06-16. Review status: criteria provided, single submitter. Criteria: GeneDx Variant Classification (06012015). Collection method: clinical testing. Allele origin: germline. Affected: yes.
Comment: This variant is considered likely benign or benign based on one or more of the following criteria: it is a conservative change, it occurs at a poorly conserved position in the protein, it is predicted to be benign by multiple in silico algorithms, and/or has population frequency not consistent with disease.